The following is an entry in ClinVar:

NM_015557.3(CHD5):c.2296C>T (p.Arg766Cys)

Gene: CHD5 (chromodomain helicase DNA binding protein 5; minus strand). Cytogenetic location: 1p36.31.
Variant type: single nucleotide variant.
Coding change: c.2296C>T on transcript NM_015557.3 (MANE Select); coding-DNA position 2296, C replaced by T.
Protein change: p.Arg766Cys; replaces arginine 766 with cysteine.
Molecular consequence: missense variant.
Genome position (GRCh38, 1-based): chr1:6,142,268, G>A on the plus strand (C>T on the coding strand, the complement: CHD5 is on the minus strand). VCF-style: chr1-6142268-G-A. GRCh37 (hg19) VCF-style: chr1-6202328-G-A.
Other names: short protein forms R766C.
Identifiers: ClinVar variation 4868895 (VCV004868895.1).
Genomic context (GRCh38, chr1:6,142,268, plus strand): 5'-TCTCCTTGTCCCCCGTGTAGGTGACCACGTAGAAGTCGGGCGCCCACATCTCAAACTCGC[G>A]TTCCCAGTTGATGATGGTGGAGAGGGGCGCGCTAACCAGGTAGGGCCCTTTGGAGTGGCC-3'
Protein context (NP_056372.1, residues 756-776): APLSTIINWE[Arg766Cys]EFEMWAPDFY

ClinVar aggregate classification (germline): Uncertain significance (1 of 4 stars; one submission).

Conditions:
Inborn genetic diseases. Identifiers: MedGen C0950123, MeSH D030342.

gnomAD v4.1: 3 of 1,613,812 alleles (0.00019%); highest among the groups gnomAD compares: Non-Finnish European, 0.00025%; no homozygotes.

Submission:

Ambry Genetics
Classification: Uncertain significance for Inborn genetic diseases. Last evaluated: 2026-04-28. Review status: criteria provided, single submitter. Criteria: Ambry Variant Classification Scheme 2023. Collection method: clinical testing. Allele origin: germline.
Comment: The c.2296C>T (p.R766C) alteration is located in exon 15 (coding exon 15) of the CHD5 gene. This alteration results from a C to T substitution at nucleotide position 2296, causing the arginine (R) at amino acid position 766 to be replaced by a cysteine (C). Based on data from gnomAD, the T allele has an overall frequency of <0.001% (1/251442) total alleles studied. The highest observed frequency was 0.001% (1/113740) of European (non-Finnish) alleles. Based on insufficient or conflicting evidence, the clinical significance of this alteration remains unclear.